The following is an entry in ClinVar:

ClinVar aggregate classification (germline): Conflicting classifications of pathogenicity. Review status: criteria provided, conflicting classifications (1 of 4 stars). 12 submissions from 12 submitters: Uncertain significance (9); Likely benign (3). Last evaluated 2026-07-23.

Conditions:
Familial pancreatic carcinoma. Identifiers: Orphanet 1333, MedGen C2931038, MONDO:0015278, OMIM 260350.
Juvenile polyposis/hereditary hemorrhagic telangiectasia syndrome (JPHT). Also called: Juvenile Polyposis Syndrome / Hereditary Hemorrhagic Telangiectasia (JPS/HHT); JP/HHT SYNDROME; JUVENILE POLYPOSIS WITH HEREDITARY HEMORRHAGIC TELANGIECTASIA; POLYPOSIS, GENERALIZED JUVENILE, WITH PULMONARY ARTERIOVENOUS MALFORMATION; TELANGIECTASIA, HEREDITARY HEMORRHAGIC, WITH JUVENILE POLYPOSIS COLI. Identifiers: Orphanet 2929, MedGen C1832942, MONDO:0008278, OMIM 175050.
Myhre syndrome (MYHRS). Also called: LARYNGOTRACHEAL STENOSIS, ARTHROPATHY, PROGNATHISM, AND SHORT STATURE; LAPS SYNDROME. Identifiers: Orphanet 2588, MedGen C0796081, MONDO:0007688, OMIM 139210.
Juvenile polyposis syndrome (JPS). Identifiers: Orphanet 2929, MedGen C0345893, MONDO:0017380, OMIM 174900.
Hereditary cancer-predisposing syndrome. Also called: Hereditary neoplastic syndrome; Tumor predisposition; Neoplastic Syndromes, Hereditary; Hereditary Cancer Syndrome. Identifiers: Orphanet 140162, MedGen C0027672, MeSH D009386, MONDO:0015356.
Familial thoracic aortic aneurysm and aortic dissection (TAAD). Also called: Thoracic aortic aneurysms and dissections. Identifiers: Orphanet 91387, MedGen C4707243, MONDO:0019625.

Allele frequency attached by ClinVar (database versions not stated): gnomAD 0.00001; gnomAD exomes 0.00001 and 0.00002; ExAC 0.00002; TOPMed 0.00002.
gnomAD v4.1: 20 of 1,613,186 alleles (0.0012%); highest among the groups gnomAD compares: African/African-American, 0.0053%; no homozygotes.

Submissions (12):

Ambry Genetics
Classification: Likely benign for Hereditary cancer-predisposing syndrome; Familial thoracic aortic aneurysm and aortic dissection. Last evaluated: 2026-07-23. Review status: criteria provided, single submitter. Criteria: Ambry Variant Classification Scheme 2023. Collection method: clinical testing. Allele origin: germline.

Labcorp Genetics (formerly Invitae), Labcorp
Classification: Likely benign for Juvenile polyposis syndrome. Last evaluated: 2026-01-28. Review status: criteria provided, single submitter. Criteria: Invitae Variant Classification Sherloc (09022015). Collection method: clinical testing. Allele origin: germline.

CeGaT Center for Human Genetics Tuebingen
Classification: Uncertain significance. Last evaluated: 2025-11-01. Review status: criteria provided, single submitter. Criteria: CeGaT Center For Human Genetics Tuebingen Variant Classification Criteria Version 2. Collection method: clinical testing. Allele origin: germline. Affected: yes. Observed: 1 variant allele.
Comment: SMAD4: PS4:Supporting

Center for Genomic Medicine, Rigshospitalet, Copenhagen University Hospital
Classification: Uncertain significance. Last evaluated: 2025-03-04. Review status: criteria provided, single submitter. Criteria: ACMG Guidelines, 2015. Collection method: clinical testing. Allele origin: germline.

Color Diagnostics, LLC DBA Color Health
Classification: Likely benign for Hereditary cancer-predisposing syndrome. Last evaluated: 2025-02-18. Review status: criteria provided, single submitter. Criteria: ACMG Guidelines, 2015. Collection method: clinical testing. Allele origin: germline.

All of Us Research Program, National Institutes of Health
Classification: Uncertain significance for Juvenile polyposis/hereditary hemorrhagic telangiectasia syndrome. Last evaluated: 2024-05-30. Review status: criteria provided, single submitter. Criteria: ACMG Guidelines, 2015. Collection method: clinical testing. Allele origin: germline. Inheritance: Autosomal dominant inheritance. Observed: 2 variant alleles, 2 heterozygotes.
Comment: This missense variant replaces asparagine with serine at codon 306 of the SMAD4 protein. Computational prediction suggests that this variant may not impact protein structure and function (internally defined REVEL score threshold <= 0.5, PMID: 27666373). To our knowledge, functional studies have not been reported for this variant. This variant has been identified in an individual affected with colorectal cancer (PMID: 26900293), as well as an individual affected with appendiceal canced, who has a family history of breast cancer and also carried a pathogenic CHEK2 variant (PMID: 28283864). This variant has been identified in 5/251384 chromosomes in the general population by the Genome Aggregation Database (gnomAD). The available evidence is insufficient to determine the role of this variant in disease conclusively. Therefore, this variant is classified as a Variant of Uncertain Significance.

This study involves interpretation of variants in research participants for the purpose of population health screening. Participant phenotype was not available at the time of variant classification. Additional details can be found in publication PMID: 35346344, PMCID: PMC8962531

Fulgent Genetics
Classification: Uncertain significance for Myhre syndrome; Juvenile polyposis syndrome; Juvenile polyposis/hereditary hemorrhagic telangiectasia syndrome; Familial pancreatic carcinoma. Last evaluated: 2024-04-21. Review status: criteria provided, single submitter. Criteria: ACMG Guidelines, 2015. Collection method: clinical testing. Allele origin: germline.

Women's Health and Genetics/Laboratory Corporation of America, LabCorp
Classification: Uncertain significance. Last evaluated: 2024-04-01. Review status: criteria provided, single submitter. Criteria: LabCorp Variant Classification Summary - May 2015. Collection method: clinical testing. Allele origin: germline.
Comment: Variant summary: SMAD4 c.917A>G (p.Asn306Ser) results in a conservative amino acid change in the encoded protein sequence. Three of five in-silico tools predict a benign effect of the variant on protein function. The variant allele was found at a frequency of 2e-05 in 251384 control chromosomes. The available data on variant occurrences in the general population are insufficient to allow any conclusion about variant significance. c.917A>G has been reported in the literature as a VUS in an individual with an appendiceal tumor, family history of BRCA1/BRCA2-negative breast cancer, who also carried a homozygous pathogenic CHEK2 variant (Kidambi_2017). This report does not provide unequivocal conclusions about association of the variant with Juvenile Polyposis Syndrome. To our knowledge, no experimental evidence demonstrating an impact on protein function has been reported. ClinVar contains an entry for this variant (Variation ID: 182870). Based on the evidence outlined above, the variant was classified as uncertain significance.

Baylor Genetics
Classification: Uncertain significance for Juvenile polyposis/hereditary hemorrhagic telangiectasia syndrome. Last evaluated: 2024-02-28. Review status: criteria provided, single submitter. Criteria: ACMG Guidelines, 2015. Collection method: clinical testing. Allele origin: unknown.

GeneDx
Classification: Uncertain significance. Last evaluated: 2023-05-26. Review status: criteria provided, single submitter. Criteria: GeneDx Variant Classification Process June 2021. Collection method: clinical testing. Allele origin: germline. Affected: yes.
Comment: Not observed at significant frequency in large population cohorts (gnomAD); In silico analysis supports that this missense variant does not alter protein structure/function; Identified in an individual with a personal history of appendiceal tumor and family history of breast cancer who was also homozygous for a pathogenic CHEK2 variant (Kidambi et al., 2017); This variant is associated with the following publications: (PMID: 26900293, 10636916, 28283864)

Quest Diagnostics Nichols Institute San Juan Capistrano
Classification: Uncertain significance. Last evaluated: 2017-05-29. Review status: criteria provided, single submitter. Criteria: Quest Diagnostics criteria. Collection method: clinical testing. Allele origin: germline.

Juno Genomics, Hangzhou Juno Genomics, Inc
Classification: Uncertain significance for Juvenile polyposis/hereditary hemorrhagic telangiectasia syndrome; Myhre syndrome; Familial pancreatic carcinoma; Juvenile polyposis syndrome. Review status: criteria provided, single submitter. Criteria: ACMG Guidelines, 2015. Collection method: clinical testing. Allele origin: germline.
Comment: Absent from controls (or at extremely low frequency if recessive) in Genome Aggregation Database.;Missense variant in a gene that has a low rate of benign missense variation.

Literature cited by the submitters: PubMed 26900293 (cited by Ambry Genetics and All of Us Research Program, National Institutes of Health); PubMed 28283864 (cited by 3 submitters).

NM_005359.6(SMAD4):c.917A>G (p.Asn306Ser)

Gene: SMAD4 (SMAD family member 4; plus strand). Cytogenetic location: 18q21.2.
Variant type: single nucleotide variant.
Coding change: c.917A>G on transcript NM_005359.6 (MANE Select); coding-DNA position 917, A replaced by G.
Protein change: p.Asn306Ser; replaces asparagine 306 with serine.
Molecular consequence: missense variant.
Genome position (GRCh38, 1-based): chr18:51,059,878, A>G. VCF-style: chr18-51059878-A-G. GRCh37 (hg19) VCF-style: chr18-48586248-A-G.
Other names: p.N306S:AAT>AGT; short protein forms N306S.
Identifiers: ClinVar variation 182870 (VCV000182870.42), dbSNP rs730881953, ClinGen allele CA299964.